The following is an entry in ClinVar:

ClinVar aggregate classification (germline): Likely benign. Review status: criteria provided, multiple submitters, no conflicts (2 of 4 stars). 4 submissions from 4 submitters: Likely benign (3). 1 of the submissions does not count toward it. Last evaluated 2026-02-04.

Conditions:
Usher syndrome type 1F (USH1F). Also called: USHER SYNDROME, TYPE IF. Identifiers: Orphanet 231169, Orphanet 886, MedGen C1865885, MONDO:0011186, OMIM 602083.
PCDH15-related disorder. Also called: PCDH15-related condition; PCDH15-related disorders.

Allele frequency attached by ClinVar (database versions not stated): gnomAD exomes 0.00012 and 0.00024; TOPMed 0.00012; ExAC 0.00013; gnomAD 0.00014 and 0.00015; 1000 Genomes Project 0.00020; 1000 Genomes Project 30x 0.00031; ESP Exome Variant Server 0.00031.
gnomAD v4.1: 376 of 1,613,992 alleles (0.023%); highest among the groups gnomAD compares: Non-Finnish European, 0.03%; no homozygotes.

Submissions (4):

Labcorp Genetics (formerly Invitae), Labcorp
Classification: Likely benign. Last evaluated: 2026-02-04. Review status: criteria provided, single submitter. Criteria: Invitae Variant Classification Sherloc (09022015). Collection method: clinical testing. Allele origin: germline.

PreventionGenetics, part of Exact Sciences
Classification: Likely benign for PCDH15-related condition. Last evaluated: 2024-12-12. Review status: criteria provided, single submitter. Criteria: ACMG Guidelines, 2015. Collection method: clinical testing. Allele origin: germline.
Comment: This variant is classified as likely benign based on ACMG/AMP sequence variant interpretation guidelines (Richards et al. 2015 PMID: 25741868, with internal and published modifications).

Blueprint Genetics
Classification: Likely benign. Last evaluated: 2024-07-10. Review status: criteria provided, single submitter. Criteria: ACMG Guidelines, 2015. Collection method: clinical testing. Allele origin: germline.

Natera, Inc.
Classification: Uncertain significance for Usher syndrome type 1F. Last evaluated: 2020-04-09. Review status: no assertion criteria provided. Collection method: clinical testing. Allele origin: germline. Not counted in ClinVar's aggregate classification.

NM_001384140.1(PCDH15):c.1494A>G (p.Gln498=)

Gene: PCDH15 (protocadherin related 15; minus strand). Cytogenetic location: 10q21.1.
Variant type: single nucleotide variant.
Coding change: c.1494A>G on transcript NM_001384140.1 (MANE Select); coding-DNA position 1494, A replaced by G.
Protein change: p.Gln498=; no amino-acid change (glutamine 498 retained).
Molecular consequence: synonymous variant.
Genome position (GRCh38, 1-based): chr10:54,183,540, T>C on the plus strand (A>G on the coding strand, the complement: PCDH15 is on the minus strand). VCF-style: chr10-54183540-T-C. GRCh37 (hg19) VCF-style: chr10-55943300-T-C.
Other names: c.1509A>G, p.Gln503= (NM_001142763.2, NM_001142771.2); c.1494A>G, p.Gln498= (NM_001142764.2, NM_001142765.2, NM_001142766.2 and 6 more transcripts); c.1383A>G, p.Gln461= (NM_001142767.2); c.1428A>G, p.Gln476= (NM_001142768.2, NM_001142773.2, NM_001354404.2); c.1530A>G, p.Gln510= (NM_001142769.4); c.1515A>G, p.Gln505= (NM_001354411.2).
Identifiers: ClinVar variation 754398 (VCV000754398.14), dbSNP rs145141405, ClinGen allele CA5506356.